The following is an entry in ClinVar:

ClinVar aggregate classification (germline): Likely benign (1 of 4 stars; one submission).

Conditions:
PKD1-related disorder. Also called: PKD1-related condition.

Submission:

PreventionGenetics, part of Exact Sciences
Classification: Likely benign for PKD1-related condition. Last evaluated: 2026-05-21. Review status: criteria provided, single submitter. Criteria: ACMG Guidelines, 2015. Collection method: clinical testing. Allele origin: germline.
Comment: This variant is classified as likely benign based on ACMG/AMP sequence variant interpretation guidelines (Richards et al. 2015 PMID: 25741868, with internal and published modifications).

NM_001009944.3(PKD1):c.1849+8T>A

Gene: PKD1 (polycystin 1, transient receptor potential channel interacting; minus strand). Cytogenetic location: 16p13.3.
Variant type: single nucleotide variant.
Coding change: c.1849+8T>A on transcript NM_001009944.3 (MANE Select); 8 bases into the intron after coding-DNA position 1849, T replaced by A.
Molecular consequence: intron variant.
Genome position (GRCh38, 1-based): chr16:2,115,984, A>T on the plus strand (T>A on the coding strand, the complement: PKD1 is on the minus strand). VCF-style: chr16-2115984-A-T. GRCh37 (hg19) VCF-style: chr16-2165985-A-T.
Other names: c.1849+8T>A (NM_000296.4).
Identifiers: ClinVar variation 4991477 (VCV004991477.1).